The following is an entry in ClinVar:

NM_130384.3(ATRIP):c.1927C>T (p.Pro643Ser)

Genes: ATRIP (ATR interacting protein; plus strand), ATRIP-TREX1 (ATRIP-TREX1 readthrough; plus strand). Cytogenetic location: 3p21.31.
Variant type: single nucleotide variant.
Coding change: c.1927C>T on transcript NM_130384.3 (MANE Select); coding-DNA position 1927, C replaced by T.
Protein change: p.Pro643Ser; replaces proline 643 with serine.
Molecular consequence: missense variant. On other transcripts: non-coding transcript variant (1).
Genome position (GRCh38, 1-based): chr3:48,464,085, C>T. VCF-style: chr3-48464085-C-T. GRCh37 (hg19) VCF-style: chr3-48505484-C-T.
Other names: c.1546C>T, p.Pro516Ser (NM_001271022.2); c.1648C>T, p.Pro550Ser (NM_001271023.2); c.1927C>T, p.Pro643Ser (NM_032166.4); short protein forms P643S, P516S, P550S.
Identifiers: ClinVar variation 3976659 (VCV003976659.1).
Genomic context (GRCh38, chr3:48,464,085, plus strand): 5'-GCGCTGTCCTTTTCAGAAGGCTGCCTCCTGCTGCTGCTGTACATGTACATCACATCACGG[C>T]CTGACAGAGTGGCCTTGGAGACACAATGGCTCCAGCTGGAACAAGAGGTAAAAACTCCAG-3'
Protein context (NP_569055.1, residues 633-653): LLLYMYITSR[Pro643Ser]DRVALETQWL

ClinVar aggregate classification (germline): Uncertain significance (1 of 4 stars; one submission).

gnomAD v4.1: 1 of 1,613,866 alleles (0.000062%); highest among the groups gnomAD compares: African/African-American, 0.0013%; no homozygotes.

Submission:

Ambry Genetics
Classification: Uncertain significance. Last evaluated: 2025-05-19. Review status: criteria provided, single submitter. Criteria: Ambry Variant Classification Scheme 2023. Collection method: clinical testing. Allele origin: germline.
Comment: The p.P643S variant (also known as c.1927C>T), located in coding exon 10 of the ATRIP gene, results from a C to T substitution at nucleotide position 1927. The proline at codon 643 is replaced by serine, an amino acid with similar properties. This amino acid position is conserved. In addition, the in silico prediction for this alteration is inconclusive. Based on the available evidence, the clinical significance of this variant remains unclear.